The following is an entry in ClinVar:

ClinVar aggregate classification (germline): Benign/Likely benign. Review status: criteria provided, multiple submitters, no conflicts (2 of 4 stars). 5 submissions from 5 submitters: Benign (1); Likely benign (3). 1 of the submissions does not count toward it. Last evaluated 2026-01-19.

Conditions:
BACH2-related disorder. Also called: BACH2-related condition.

Allele frequency attached by ClinVar (database versions not stated): 1000 Genomes Project 0.00040; 1000 Genomes Project 30x 0.00047; gnomAD 0.00056 and 0.00062; TOPMed 0.00059; ExAC 0.00070; gnomAD exomes 0.00071 and 0.00116; ESP Exome Variant Server 0.00100.
gnomAD v4.1: 1,802 of 1,614,172 alleles (0.11%); highest among the groups gnomAD compares: Middle Eastern, 0.28%; 4 homozygotes.

Submissions (5):

Labcorp Genetics (formerly Invitae), Labcorp
Classification: Likely benign. Last evaluated: 2026-01-19. Review status: criteria provided, single submitter. Criteria: Invitae Variant Classification Sherloc (09022015). Collection method: clinical testing. Allele origin: germline.

Blueprint Genetics
Classification: Likely benign. Last evaluated: 2024-11-04. Review status: criteria provided, single submitter. Criteria: ACMG Guidelines, 2015. Collection method: clinical testing. Allele origin: germline.

CeGaT Center for Human Genetics Tuebingen
Classification: Benign. Last evaluated: 2024-02-01. Review status: criteria provided, single submitter. Criteria: CeGaT Center For Human Genetics Tuebingen Variant Classification Criteria Version 2. Collection method: clinical testing. Allele origin: germline. Affected: yes. Observed: 4 variant alleles.
Comment: BACH2: BP4, BS1, BS2

Breakthrough Genomics
Classification: Likely benign. Review status: criteria provided, single submitter. Criteria: ACMG Guidelines, 2015. Collection method: not provided. Allele origin: germline. Inheritance: Autosomal dominant inheritance. Affected: yes.

PreventionGenetics, part of Exact Sciences
Classification: Likely benign for BACH2-related condition. Last evaluated: 2023-12-21. Review status: no assertion criteria provided. Collection method: clinical testing. Allele origin: germline. Not counted in ClinVar's aggregate classification.
Comment: This variant is classified as likely benign based on ACMG/AMP sequence variant interpretation guidelines (Richards et al. 2015 PMID: 25741868, with internal and published modifications).

NM_021813.4(BACH2):c.1435G>A (p.Ala479Thr)

Gene: BACH2 (BACH transcriptional regulator 2; minus strand). Cytogenetic location: 6q15.
Variant type: single nucleotide variant.
Coding change: c.1435G>A on transcript NM_021813.4 (MANE Select); coding-DNA position 1435, G replaced by A.
Protein change: p.Ala479Thr; replaces alanine 479 with threonine.
Molecular consequence: missense variant.
Genome position (GRCh38, 1-based): chr6:89,950,671, C>T on the plus strand (G>A on the coding strand, the complement: BACH2 is on the minus strand). VCF-style: chr6-89950671-C-T. GRCh37 (hg19) VCF-style: chr6-90660390-C-T.
Other names: c.1435G>A, p.Ala479Thr (NM_001170794.2); c.1435G>A (NM_021813.3); short protein forms A479T.
Identifiers: ClinVar variation 1161957 (VCV001161957.40), dbSNP rs140620174, ClinGen allele CA3927985.